The following is an entry in ClinVar:

ClinVar aggregate classification (germline): Uncertain significance (1 of 4 stars; one submission).

Submission:

GeneDx
Classification: Uncertain significance. Last evaluated: 2021-04-08. Review status: criteria provided, single submitter. Criteria: GeneDx Variant Classification Process June 2021. Collection method: clinical testing. Allele origin: germline. Affected: yes.
Comment: Not observed in large population cohorts (Lek et al., 2016); In silico analysis supports that this missense variant has a deleterious effect on protein structure/function; Has not been previously reported as a pathogenic or benign germline variant to our knowledge; This variant is associated with the following publications: (PMID: 18691552)

NM_006218.4(PIK3CA):c.2543T>C (p.Ile848Thr)

Gene: PIK3CA (phosphatidylinositol-4,5-bisphosphate 3-kinase catalytic subunit alpha; plus strand). Cytogenetic location: 3q26.32.
Variant type: single nucleotide variant.
Coding change: c.2543T>C on transcript NM_006218.4 (MANE Select); coding-DNA position 2543, T replaced by C.
Protein change: p.Ile848Thr; replaces isoleucine 848 with threonine.
Molecular consequence: missense variant.
Genome position (GRCh38, 1-based): chr3:179,229,319, T>C. VCF-style: chr3-179229319-T-C. GRCh37 (hg19) VCF-style: chr3-178947107-T-C.
Other names: short protein forms I848T.
Identifiers: ClinVar variation 1314311 (VCV001314311.2), dbSNP rs2108422608, ClinGen allele CA355277578.